The following is an entry in ClinVar:

NM_001008537.3(NEXMIF):c.846_849del (p.Val283fs)

Gene: NEXMIF (neurite extension and migration factor; minus strand). Cytogenetic location: Xq13.3.
Variant type: Microsatellite.
Coding change: c.846_849del on transcript NM_001008537.3 (MANE Select); coding-DNA positions 846 to 849, 4 bases deleted (TGTC; older notation c.846_849delTGTC).
Protein change: p.Val283fs; shifts the reading frame from valine 283.
Molecular consequence: frameshift variant.
Genome position (GRCh38, 1-based): chrX:74,743,708-74,743,711, GACA deleted on the plus strand (TGTC on the coding strand, the reverse complement: NEXMIF is on the minus strand); deleting any 4 consecutive bases within chrX:74,743,708-74,743,716 gives the same sequence; the c. name uses the placement nearest the transcript's 3' end. VCF-style (leftmost placement, unchanged base first): chrX-74743707-TGACA-T. GRCh37 (hg19) VCF-style: chrX-73963542-TGACA-T.
Other names: c.846_849delTGTC (NM_001008537.1); c.846_849del (NM_001008537.1); short protein forms V283fs.
Identifiers: ClinVar variation 639428 (VCV000639428.10), dbSNP rs1602212618, ClinGen allele CA915951237.

ClinVar aggregate classification (germline): Pathogenic. Review status: criteria provided, multiple submitters, no conflicts (2 of 4 stars). 3 submissions from 3 submitters: Pathogenic (3). Last evaluated 2025-04-15.

Conditions:
X-linked intellectual disability, Cantagrel type (XLID98). Also called: INTELLECTUAL DEVELOPMENTAL DISORDER, X-LINKED 98. Identifiers: Orphanet 85277, MedGen C3806730, MONDO:0010483, OMIM 300912.

Submissions (3):

Genetics Department, Catlab
Classification: Pathogenic for X-linked intellectual disability, Cantagrel type. Last evaluated: 2025-04-15. Review status: criteria provided, single submitter. Criteria: ACMG Guidelines, 2015. Collection method: clinical testing. Allele origin: germline. Affected: yes. Observed: 1 variant allele.
Comment: The c.846_849del variant in the NEXMIF gene is a loss of function variant predicted to undergo nonsense mediated decay and loss of function variants have been described as a causing mechanism for the gene (PVS1_verystrong). The variant has been described as de novo in a patient (PMID: 31487502) (PS2_strong). Moreover, the variant is absent from gnomAD v4.1 (PM2_moderate). With all the available evidence, the variant is classified as pathogenic

Labcorp Genetics (formerly Invitae), Labcorp
Classification: Pathogenic. Last evaluated: 2025-01-06. Review status: criteria provided, single submitter. Criteria: Invitae Variant Classification Sherloc (09022015). Collection method: clinical testing. Allele origin: germline.
Comment: This sequence change creates a premature translational stop signal (p.Val283Thrfs*20) in the NEXMIF gene. It is expected to result in an absent or disrupted protein product. Loss-of-function variants in NEXMIF are known to be pathogenic (PMID: 23615299). This variant is not present in population databases (gnomAD no frequency). This premature translational stop signal has been observed in individual(s) with clinical features of NEXMIF-related conditions (PMID: 31487502). In at least one individual the variant was observed to be de novo. ClinVar contains an entry for this variant (Variation ID: 639428). For these reasons, this variant has been classified as Pathogenic.

GeneDx
Classification: Pathogenic. Last evaluated: 2023-12-07. Review status: criteria provided, single submitter. Criteria: GeneDx Variant Classification Process June 2021. Collection method: clinical testing. Allele origin: germline. Affected: yes.
Comment: Frameshift variant predicted to result in protein truncation or nonsense mediated decay in a gene for which loss-of-function is a known mechanism of disease; Not observed in large population cohorts (gnomAD); This variant is associated with the following publications: (PMID: 31487502, 35146903)

Literature cited by the submitters: PubMed 31487502 (cited by Genetics Department, Catlab and Labcorp Genetics (formerly Invitae), Labcorp); PubMed 23615299 (cited by Labcorp Genetics (formerly Invitae), Labcorp).